The following is an entry in ClinVar:

ClinVar aggregate classification (germline): Uncertain significance. Review status: criteria provided, multiple submitters, no conflicts (2 of 4 stars). 2 submissions from 2 submitters: Uncertain significance (2). Last evaluated 2025-11-20.

Conditions:
Inborn genetic diseases. Identifiers: MedGen C0950123, MeSH D030342.
ADCY3-related disorder. Also called: ADCY3-related condition.

gnomAD v4.1: 1 of 1,614,154 alleles (0.000062%); highest among the groups gnomAD compares: Non-Finnish European, 0.000085%; no homozygotes.

Submissions (2):

Ambry Genetics
Classification: Uncertain significance for Inborn genetic diseases. Last evaluated: 2025-11-20. Review status: criteria provided, single submitter. Criteria: Ambry Variant Classification Scheme 2023. Collection method: clinical testing. Allele origin: germline.

PreventionGenetics, part of Exact Sciences
Classification: Uncertain significance for ADCY3-related condition. Last evaluated: 2025-08-06. Review status: criteria provided, single submitter. Criteria: ACMG Guidelines, 2015. Collection method: clinical testing. Allele origin: germline.
Comment: The ADCY3 c.1426G>A variant is predicted to result in the amino acid substitution p.Gly476Ser. To our knowledge, this variant has not been reported in the literature or in a large population database (gnomAD), indicating this variant is rare. At this time, the clinical significance of this variant is uncertain due to the absence of conclusive functional and genetic evidence.

NM_004036.5(ADCY3):c.1426G>A (p.Gly476Ser)

Gene: ADCY3 (adenylate cyclase 3; minus strand). Cytogenetic location: 2p23.3.
Variant type: single nucleotide variant.
Coding change: c.1426G>A on transcript NM_004036.5 (MANE Select); coding-DNA position 1426, G replaced by A.
Protein change: p.Gly476Ser; replaces glycine 476 with serine.
Molecular consequence: missense variant.
Genome position (GRCh38, 1-based): chr2:24,838,552, C>T on the plus strand (G>A on the coding strand, the complement: ADCY3 is on the minus strand). VCF-style: chr2-24838552-C-T. GRCh37 (hg19) VCF-style: chr2-25061421-C-T.
Other names: c.1426G>A, p.Gly476Ser (NM_001320613.2, NM_001377129.1, NM_001377130.1 and 1 more transcripts); c.1492G>A, p.Gly498Ser (NM_001377128.1); c.703G>A, p.Gly235Ser (NM_001377131.1); c.1426G>A (NM_001320613.1); short protein forms G498S, G235S, G476S.
Identifiers: ClinVar variation 4569197 (VCV004569197.2).